The following is an entry in ClinVar:

NM_031471.6(FERMT3):c.1363C>T (p.Arg455Cys)

Gene: FERMT3 (FERM domain containing kindlin 3; plus strand). Cytogenetic location: 11q13.1.
Variant type: single nucleotide variant.
Coding change: c.1363C>T on transcript NM_031471.6 (MANE Select); coding-DNA position 1363, C replaced by T.
Protein change: p.Arg455Cys; replaces arginine 455 with cysteine.
Molecular consequence: missense variant.
Genome position (GRCh38, 1-based): chr11:64,220,487, C>T. VCF-style: chr11-64220487-C-T. GRCh37 (hg19) VCF-style: chr11-63987959-C-T.
Other names: c.1363C>T, p.Arg455Cys (NM_001382361.1, NM_001382448.1); c.1375C>T, p.Arg459Cys (NM_001382362.1, NM_178443.3); c.823C>T, p.Arg275Cys (NM_001382363.1); c.835C>T, p.Arg279Cys (NM_001382364.1); short protein forms R459C, R455C, R275C, R279C.
Identifiers: ClinVar variation 857857 (VCV000857857.7), dbSNP rs775462582, ClinGen allele CA6069142.

ClinVar aggregate classification (germline): Uncertain significance (1 of 4 stars; one submission).

Conditions:
Leukocyte adhesion deficiency 3. Also called: INTEGRIN ACTIVATION DEFICIENCY DISEASE; LEUKOCYTE ADHESION DEFICIENCY 1 VARIANT; Leukocyte adhesion deficiency, type III. Identifiers: Orphanet 2968, Orphanet 99844, MedGen C2748536, MONDO:0013016, OMIM 612840.

Allele frequency attached by ClinVar (database versions not stated): gnomAD exomes 0.00001; TOPMed 0.00002; ExAC 0.00003.

Submission:

Labcorp Genetics (formerly Invitae), Labcorp
Classification: Uncertain significance for Leukocyte adhesion deficiency 3. Last evaluated: 2022-03-19. Review status: criteria provided, single submitter. Criteria: Invitae Variant Classification Sherloc (09022015). Collection method: clinical testing. Allele origin: germline.
Comment: This sequence change replaces arginine, which is basic and polar, with cysteine, which is neutral and slightly polar, at codon 455 of the FERMT3 protein (p.Arg455Cys). This variant is present in population databases (rs775462582, gnomAD 0.01%). This variant has not been reported in the literature in individuals affected with FERMT3-related conditions. ClinVar contains an entry for this variant (Variation ID: 857857). Algorithms developed to predict the effect of missense changes on protein structure and function are either unavailable or do not agree on the potential impact of this missense change (SIFT: "Deleterious"; PolyPhen-2: "Probably Damaging"; Align-GVGD: "Class C0"). In summary, the available evidence is currently insufficient to determine the role of this variant in disease. Therefore, it has been classified as a Variant of Uncertain Significance.